The following is an entry in ClinVar:

NM_006892.4(DNMT3B):c.124C>T (p.Arg42Cys)

Gene: DNMT3B (DNA methyltransferase 3 beta; plus strand). Cytogenetic location: 20q11.21.
Variant type: single nucleotide variant.
Coding change: c.124C>T on transcript NM_006892.4 (MANE Select); coding-DNA position 124, C replaced by T.
Protein change: p.Arg42Cys; replaces arginine 42 with cysteine.
Molecular consequence: missense variant.
Genome position (GRCh38, 1-based): chr20:32,780,447, C>T. VCF-style: chr20-32780447-C-T. GRCh37 (hg19) VCF-style: chr20-31368253-C-T.
Other names: c.124C>T, p.Arg42Cys (NM_001207055.2, NM_001207056.2, NM_175848.2 and 1 more transcripts); c.160C>T, p.Arg54Cys (NM_175850.3); short protein forms R54C, R42C.
Identifiers: ClinVar variation 719482 (VCV000719482.12), dbSNP rs150200553, ClinGen allele CA9810036.

ClinVar aggregate classification (germline): Likely benign. Review status: criteria provided, multiple submitters, no conflicts (2 of 4 stars). 3 submissions from 3 submitters: Likely benign (2). 1 of the submissions does not count toward it. Last evaluated 2026-01-28.

Conditions:
DNMT3B-related disorder. Also called: DNMT3B-related condition.
Centromeric instability of chromosomes 1,9 and 16 and immunodeficiency (ICF1). Also called: CENTROMERIC INSTABILITY, IMMUNODEFICIENCY SYNDROME; IMMUNE DEFICIENCY, VARIABLE, WITH CENTROMERIC INSTABILITY OF CHROMOSOMES 1, 9, AND 16; IMMUNODEFICIENCY SYNDROME, VARIABLE; Immunodeficiency-centromeric instability-facial anomalies. Identifiers: Orphanet 2268, MedGen C0398788, MONDO:0000133.

Allele frequency attached by ClinVar (database versions not stated): gnomAD exomes 0.00021; ExAC 0.00024; 1000 Genomes Project 0.00040; 1000 Genomes Project 30x 0.00047; TOPMed 0.00079; gnomAD 0.00080; ESP Exome Variant Server 0.00100.
gnomAD v4.1: 248 of 1,613,208 alleles (0.015%); highest among the groups gnomAD compares: African/African-American, 0.27%; 1 homozygote.

Submissions (3):

Labcorp Genetics (formerly Invitae), Labcorp
Classification: Likely benign for Centromeric instability of chromosomes 1,9 and 16 and immunodeficiency. Last evaluated: 2026-01-28. Review status: criteria provided, single submitter. Criteria: Invitae Variant Classification Sherloc (09022015). Collection method: clinical testing. Allele origin: germline.

Blueprint Genetics
Classification: Likely benign. Last evaluated: 2024-01-15. Review status: criteria provided, single submitter. Criteria: ACMG Guidelines, 2015. Collection method: clinical testing. Allele origin: germline.

PreventionGenetics, part of Exact Sciences
Classification: Likely benign for DNMT3B-related condition. Last evaluated: 2023-07-30. Review status: no assertion criteria provided. Collection method: clinical testing. Allele origin: germline. Not counted in ClinVar's aggregate classification.
Comment: This variant is classified as likely benign based on ACMG/AMP sequence variant interpretation guidelines (Richards et al. 2015 PMID: 25741868, with internal and published modifications).